The following is an entry in ClinVar:

NM_014795.4(ZEB2):c.1008T>C (p.Gly336=)

Gene: ZEB2 (zinc finger E-box binding homeobox 2; minus strand). Cytogenetic location: 2q22.3.
Variant type: single nucleotide variant.
Coding change: c.1008T>C on transcript NM_014795.4 (MANE Select); coding-DNA position 1008, T replaced by C.
Protein change: p.Gly336=; no amino-acid change (glycine 336 retained).
Molecular consequence: synonymous variant.
Genome position (GRCh38, 1-based): chr2:144,400,179, A>G on the plus strand (T>C on the coding strand, the complement: ZEB2 is on the minus strand). VCF-style: chr2-144400179-A-G. GRCh37 (hg19) VCF-style: chr2-145157746-A-G.
Other names: c.936T>C, p.Gly312= (NM_001171653.2).
Identifiers: ClinVar variation 671958 (VCV000671958.11), dbSNP rs149510351, ClinGen allele CA1898374.
Genomic context (GRCh38, chr2:144,400,179, plus strand): 5'-AGAATTAGGGGAAGAACCCGTCTTGATATTGTTTCTCATTCGGCCATTTACAGAGATTAA[A>G]CCAATACATTTCTTGCTGCTGATGTGCGAACTGTAGGAACCAGAATGGGAGAAACGTTTC-3'
Protein context (NP_055610.1, residues 326-346): SSHISSKKCI[Gly336=]LISVNGRMRN

ClinVar aggregate classification (germline): Likely benign. Review status: criteria provided, multiple submitters, no conflicts (2 of 4 stars). 2 submissions from 2 submitters: Likely benign (2). Last evaluated 2023-11-21.

Conditions:
Mowat-Wilson syndrome (MOWS). Also called: Classic Mowat-Wilson Syndrome. Identifiers: Orphanet 2152, MedGen C1856113, MONDO:0009341, OMIM 235730.

Allele frequency attached by ClinVar (database versions not stated): gnomAD 0.00001 and 0.00002; gnomAD exomes 0.00001 and 0.00002; ExAC 0.00002; TOPMed 0.00002; ESP Exome Variant Server 0.00008.
gnomAD v4.1: 20 of 1,614,016 alleles (0.0012%); highest among the groups gnomAD compares: Non-Finnish European, 0.0017%; no homozygotes.

Submissions (2):

Labcorp Genetics (formerly Invitae), Labcorp
Classification: Likely benign for Mowat-Wilson syndrome. Last evaluated: 2023-11-21. Review status: criteria provided, single submitter. Criteria: Invitae Variant Classification Sherloc (09022015). Collection method: clinical testing. Allele origin: germline.

GeneDx
Classification: Likely benign. Last evaluated: 2018-06-19. Review status: criteria provided, single submitter. Criteria: GeneDx Variant Classification (06012015). Collection method: clinical testing. Allele origin: germline. Affected: yes.
Comment: This variant is considered likely benign or benign based on one or more of the following criteria: it is a conservative change, it occurs at a poorly conserved position in the protein, it is predicted to be benign by multiple in silico algorithms, and/or has population frequency not consistent with disease.